The following is an entry in ClinVar:

ClinVar aggregate classification (germline): Uncertain significance (1 of 4 stars; one submission).

Conditions:
Combined oxidative phosphorylation defect type 27. Also called: Combined oxidative phosphorylation deficiency 27. Identifiers: Orphanet 477774, MedGen C5567608, MONDO:0014728, OMIM 616672.

gnomAD v4.1: 2 of 1,593,860 alleles (0.00013%); highest among the groups gnomAD compares: African/African-American, 0.0027%; no homozygotes.

Submission:

Labcorp Genetics (formerly Invitae), Labcorp
Classification: Uncertain significance for Combined oxidative phosphorylation defect type 27. Last evaluated: 2023-12-18. Review status: criteria provided, single submitter. Criteria: Invitae Variant Classification Sherloc (09022015). Collection method: clinical testing. Allele origin: germline.
Comment: This sequence change replaces threonine, which is neutral and polar, with lysine, which is basic and polar, at codon 508 of the CARS2 protein (p.Thr508Lys). This variant is not present in population databases (gnomAD no frequency). This variant has not been reported in the literature in individuals affected with CARS2-related conditions. ClinVar contains an entry for this variant (Variation ID: 2126549). An algorithm developed to predict the effect of missense changes on protein structure and function (PolyPhen-2) suggests that this variant is likely to be tolerated. In summary, the available evidence is currently insufficient to determine the role of this variant in disease. Therefore, it has been classified as a Variant of Uncertain Significance.

NM_024537.4(CARS2):c.1523C>A (p.Thr508Lys)

Gene: CARS2 (cysteinyl-tRNA synthetase 2, mitochondrial; minus strand). Cytogenetic location: 13q34.
Variant type: single nucleotide variant.
Coding change: c.1523C>A on transcript NM_024537.4 (MANE Select); coding-DNA position 1523, C replaced by A.
Protein change: p.Thr508Lys; replaces threonine 508 with lysine.
Molecular consequence: missense variant. On other transcripts: non-coding transcript variant (2).
Genome position (GRCh38, 1-based): chr13:110,642,415, G>T on the plus strand (C>A on the coding strand, the complement: CARS2 is on the minus strand). VCF-style: chr13-110642415-G-T. GRCh37 (hg19) VCF-style: chr13-111294762-G-T.
Other names: c.737C>A, p.Thr246Lys (NM_001352252.2); short protein forms T246K, T508K.
Identifiers: ClinVar variation 2126549 (VCV002126549.4), dbSNP rs376713706, ClinGen allele CA388740334.